The following is an entry in ClinVar:

NM_001854.4(COL11A1):c.1792-13_1792-10delinsT

Gene: COL11A1 (collagen type XI alpha 1 chain; minus strand). Cytogenetic location: 1p21.1.
Variant type: Indel.
Coding change: c.1792-13_1792-10delinsT on transcript NM_001854.4 (MANE Select); 13 bases into the intron before coding-DNA position 1792 through 10 bases into the intron before coding-DNA position 1792, GATG replaced by T.
Molecular consequence: intron variant.
Genome position (GRCh38, 1-based): chr1:103,005,901-103,005,904, CATC replaced by A on the plus strand (GATG replaced by T on the coding strand, the reverse complement: COL11A1 is on the minus strand). VCF-style: chr1-103005901-CATC-A. GRCh37 (hg19) VCF-style: chr1-103471457-CATC-A.
Other names: c.1675-13_1675-10delinsT (NM_001190709.2); c.1828-13_1828-10delinsT (NM_080629.3); c.1444-13_1444-10delinsT (NM_080630.4).
Identifiers: ClinVar variation 4853730 (VCV004853730.1).

ClinVar aggregate classification (germline): Likely benign (1 of 4 stars; one submission).

Submission:

Women's Health and Genetics/Laboratory Corporation of America, LabCorp
Classification: Likely benign. Last evaluated: 2026-05-21. Review status: criteria provided, single submitter. Criteria: LabCorp Variant Classification Summary - May 2015. Collection method: clinical testing. Allele origin: germline.
Comment: Variant summary: COL11A1 c.1792-13_1792-10delinsT alters a conserved nucleotide located at a position not widely known to affect splicing. Consensus agreement among computation tools predict no significant impact on normal splicing. However, these predictions have yet to be confirmed by functional studies. The variant was absent in 225978 control chromosomes. The available data on variant occurrences in the general population are insufficient to allow any conclusion about variant significance. To our knowledge, no occurrence of c.1792-13_1792-10delinsT in individuals affected with COL11A1-related conditions and no experimental evidence demonstrating its impact on protein function have been reported. No submitters have cited clinical-significance assessments for this variant to ClinVar. Based on the evidence outlined above, the variant was classified as likely benign.